The following is an entry in ClinVar:

ClinVar aggregate classification (germline): Uncertain significance (1 of 4 stars; one submission).

Conditions:
Cardiovascular phenotype. Identifiers: MedGen CN230736.

gnomAD v4.1: 2 of 1,613,916 alleles (0.00012%); highest among the groups gnomAD compares: African/African-American, 0.0027%; no homozygotes.

Submission:

Ambry Genetics
Classification: Uncertain significance for Cardiovascular phenotype. Last evaluated: 2026-08-19. Review status: criteria provided, single submitter. Criteria: Ambry Variant Classification Scheme 2023. Collection method: clinical testing. Allele origin: germline.
Comment: The p.F3161S variant (also known as c.9482T>C), located in coding exon 26 of the APOB gene, results from a T to C substitution at nucleotide position 9482. The phenylalanine at codon 3161 is replaced by serine, an amino acid with highly dissimilar properties. This amino acid position is conserved. In addition, this alteration is predicted to be tolerated by in silico analysis. Based on the available evidence, the clinical significance of this variant remains unclear.

NM_000384.3(APOB):c.9482T>C (p.Phe3161Ser)

Gene: APOB (apolipoprotein B; minus strand). Cytogenetic location: 2p24.1.
Variant type: single nucleotide variant.
Coding change: c.9482T>C on transcript NM_000384.3 (MANE Select); coding-DNA position 9482, T replaced by C.
Protein change: p.Phe3161Ser; replaces phenylalanine 3161 with serine.
Molecular consequence: missense variant.
Genome position (GRCh38, 1-based): chr2:21,007,386, A>G on the plus strand (T>C on the coding strand, the complement: APOB is on the minus strand). VCF-style: chr2-21007386-A-G. GRCh37 (hg19) VCF-style: chr2-21230258-A-G.
Other names: short protein forms F3161S.
Identifiers: ClinVar variation 5027907 (VCV005027907.1).